The following is an entry in ClinVar:

NM_173598.6(KSR2):c.1803-3C>G

Gene: KSR2 (kinase suppressor of ras 2; minus strand). Cytogenetic location: 12q24.22.
Variant type: single nucleotide variant.
Coding change: c.1803-3C>G on transcript NM_173598.6 (MANE Select); 3 bases into the intron before coding-DNA position 1803, C replaced by G.
Molecular consequence: intron variant.
Genome position (GRCh38, 1-based): chr12:117,527,122, G>C on the plus strand (C>G on the coding strand, the complement: KSR2 is on the minus strand). VCF-style: chr12-117527122-G-C. GRCh37 (hg19) VCF-style: chr12-117964927-G-C.
Identifiers: ClinVar variation 4990993 (VCV004990993.1).

ClinVar aggregate classification (germline): Uncertain significance (1 of 4 stars; one submission).

Conditions:
KSR2-related disorder. Also called: KSR2-related condition.

Submission:

PreventionGenetics, part of Exact Sciences
Classification: Uncertain significance for KSR2-related condition. Last evaluated: 2025-10-06. Review status: criteria provided, single submitter. Criteria: ACMG Guidelines, 2015. Collection method: clinical testing. Allele origin: germline.
Comment: The KSR2 c.1716-3C>G variant is predicted to interfere with splicing. This variant is predicted to alter splicing based on available splicing prediction programs (SpliceAI, Jaganathan et al. 2019. PubMed ID: 30661751). To our knowledge, this variant has not been reported in the literature or in a large population database (gnomAD), indicating this variant is rare. Although we suspect that this variant may be pathogenic, at this time, the clinical significance of this variant is uncertain due to the absence of conclusive functional and genetic evidence.